The following is an entry in ClinVar:

ClinVar aggregate classification (germline): Conflicting classifications of pathogenicity. Review status: criteria provided, conflicting classifications (1 of 4 stars). 4 submissions from 4 submitters: Pathogenic (1); Uncertain significance (3). Last evaluated 2025-01-07.

Conditions:
RP1-related disorder. Also called: RP1-related condition.
Inborn genetic diseases. Identifiers: MedGen C0950123, MeSH D030342.

Allele frequency attached by ClinVar (database versions not stated): gnomAD 0.00002; TOPMed 0.00002.

Submissions (4):

PreventionGenetics, part of Exact Sciences
Classification: Uncertain significance for RP1-related condition. Last evaluated: 2025-01-07. Review status: criteria provided, single submitter. Criteria: ACMG Guidelines, 2015. Collection method: clinical testing. Allele origin: germline.
Comment: The RP1 c.164T>A variant is predicted to result in the amino acid substitution p.Val55Asp. To our knowledge, this variant has not been reported in the literature or in a large population database (gnomAD), indicating this variant is rare. At this time, the clinical significance of this variant is uncertain due to the absence of conclusive functional and genetic evidence.

Labcorp Genetics (formerly Invitae), Labcorp
Classification: Uncertain significance. Last evaluated: 2024-12-22. Review status: criteria provided, single submitter. Criteria: Invitae Variant Classification Sherloc (09022015). Collection method: clinical testing. Allele origin: germline.
Comment: This sequence change replaces valine, which is neutral and non-polar, with aspartic acid, which is acidic and polar, at codon 55 of the RP1 protein (p.Val55Asp). This variant is not present in population databases (gnomAD no frequency). This variant has not been reported in the literature in individuals affected with RP1-related conditions. ClinVar contains an entry for this variant (Variation ID: 866984). An algorithm developed to predict the effect of missense changes on protein structure and function (PolyPhen-2) suggests that this variant is likely to be disruptive. In summary, the available evidence is currently insufficient to determine the role of this variant in disease. Therefore, it has been classified as a Variant of Uncertain Significance.

Ambry Genetics
Classification: Uncertain significance for Inborn genetic diseases. Last evaluated: 2024-08-01. Review status: criteria provided, single submitter. Criteria: Ambry Variant Classification Scheme 2023. Collection method: clinical testing. Allele origin: germline.

Blueprint Genetics
Classification: Pathogenic for RP1-related disorders. Last evaluated: 2022-02-15. Review status: criteria provided, single submitter. Criteria: ACMG Guidelines, 2015. Collection method: clinical testing. Allele origin: germline. Affected: yes. Observed: 5 variant alleles.

NM_006269.2(RP1):c.164T>A (p.Val55Asp)

Gene: RP1 (RP1 axonemal microtubule associated; plus strand). Cytogenetic location: 8q12.1.
Variant type: single nucleotide variant.
Coding change: c.164T>A on transcript NM_006269.2 (MANE Select); coding-DNA position 164, T replaced by A.
Protein change: p.Val55Asp; replaces valine 55 with aspartic acid.
Molecular consequence: missense variant.
Genome position (GRCh38, 1-based): chr8:54,621,130, T>A. VCF-style: chr8-54621130-T-A. GRCh37 (hg19) VCF-style: chr8-55533690-T-A.
Other names: c.164T>A, p.Val55Asp (NM_001375654.1); short protein forms V55D.
Identifiers: ClinVar variation 866984 (VCV000866984.10), dbSNP rs1446992624, ClinGen allele CA370985751.